The following is an entry in ClinVar:

NM_000180.4(GUCY2D):c.1582C>T (p.Arg528Ter)

Gene: GUCY2D (guanylate cyclase 2D, retinal; plus strand). Cytogenetic location: 17p13.1.
Variant type: single nucleotide variant.
Coding change: c.1582C>T on transcript NM_000180.4 (MANE Select); coding-DNA position 1582, C replaced by T.
Protein change: p.Arg528Ter; replaces arginine 528 with a stop codon.
Molecular consequence: nonsense.
Genome position (GRCh38, 1-based): chr17:8,007,946, C>T. VCF-style: chr17-8007946-C-T. GRCh37 (hg19) VCF-style: chr17-7911264-C-T.
Other names: short protein forms R528*.
Identifiers: ClinVar variation 961926 (VCV000961926.8), dbSNP rs1349155167, ClinGen allele CA397949593.

ClinVar aggregate classification (germline): Pathogenic. Review status: criteria provided, multiple submitters, no conflicts (2 of 4 stars). 2 submissions from 2 submitters: Pathogenic (2). Last evaluated 2022-11-08.

Conditions:
Cone-rod dystrophy 6 (CORD6). Also called: RETINAL CONE DYSTROPHY 2; Cone dystrophy progressive. Identifiers: Orphanet 1872, MedGen C1866293, MONDO:0011143, OMIM 601777.
Leber congenital amaurosis 1 (LCA1). Also called: RETINAL BLINDNESS, CONGENITAL; AMAUROSIS CONGENITA OF LEBER I; Congenital absence of the rods and cones; Leber's congenital tapetoretinal degeneration; Leber's congenital tapetoretinal dysplasia. Identifiers: Orphanet 65, MedGen C2931258, MONDO:0008764, OMIM 204000.

Allele frequency attached by ClinVar (database versions not stated): gnomAD exomes below 0.00001; TOPMed below 0.00001.
gnomAD v4.1: 5 of 1,612,130 alleles (0.00031%); highest among the groups gnomAD compares: South Asian, 0.0011%; no homozygotes.

Submissions (2):

Labcorp Genetics (formerly Invitae), Labcorp
Classification: Pathogenic for Leber congenital amaurosis 1; Cone-rod dystrophy 6. Last evaluated: 2022-11-08. Review status: criteria provided, single submitter. Criteria: Invitae Variant Classification Sherloc (09022015). Collection method: clinical testing. Allele origin: germline.
Comment: For these reasons, this variant has been classified as Pathogenic. ClinVar contains an entry for this variant (Variation ID: 961926). This premature translational stop signal has been observed in individual(s) with clinical features of GUCY2D-related conditions (PMID: 31630094, 34048777). The frequency data for this variant in the population databases is considered unreliable, as metrics indicate poor data quality at this position in the gnomAD database. This sequence change creates a premature translational stop signal (p.Arg528*) in the GUCY2D gene. It is expected to result in an absent or disrupted protein product. Loss-of-function variants in GUCY2D are known to be pathogenic (PMID: 10951519, 11328726).

Juno Genomics, Hangzhou Juno Genomics, Inc
Classification: Pathogenic for Leber congenital amaurosis 1. Review status: criteria provided, single submitter. Criteria: ACMG Guidelines, 2015. Collection method: clinical testing. Allele origin: germline. Affected: yes.
Comment: Absent from controls (or at extremely low frequency if recessive) in Genome Aggregation Database.;Null variant in a gene where loss of function (LOF) is a known mechanism of disease.;For recessive disorders, detected in trans with a pathogenic variant.

Literature cited by the submitters: PubMed 31630094 (cited by Labcorp Genetics (formerly Invitae), Labcorp); PubMed 34048777 (cited by Labcorp Genetics (formerly Invitae), Labcorp); PubMed 10951519 (cited by Labcorp Genetics (formerly Invitae), Labcorp); PubMed 11328726 (cited by Labcorp Genetics (formerly Invitae), Labcorp).